The following is an entry in ClinVar:

NM_002454.3(MTRR):c.1910_1911delinsAA (p.Ala637Glu)

Gene: MTRR (5-methyltetrahydrofolate-homocysteine methyltransferase reductase; plus strand). Cytogenetic location: 5p15.31.
Variant type: Indel.
Coding change: c.1910_1911delinsAA on transcript NM_002454.3 (MANE Select); coding-DNA positions 1910 to 1911, CG replaced by AA.
Protein change: p.Ala637Glu; replaces alanine 637 with glutamic acid.
Molecular consequence: missense variant. On other transcripts: non-coding transcript variant (14).
Genome position (GRCh38, 1-based): chr5:7,897,205-7,897,206, CG replaced by AA. VCF-style: chr5-7897205-CG-AA. GRCh37 (hg19) VCF-style: chr5-7897318-CG-AA.
Other names: c.1910_1911delinsAA, p.Ala637Glu (NM_001364440.2, NM_001364441.2, NM_001364442.2 and 1 more transcripts); short protein forms A637E.
Identifiers: ClinVar variation 2139318 (VCV002139318.1), dbSNP rs2479159690, ClinGen allele CA2580073454.

ClinVar aggregate classification (germline): Uncertain significance (1 of 4 stars; one submission).

Conditions:
Methylcobalamin deficiency type cblE (HMAE). Also called: HOMOCYSTINURIA-MEGALOBLASTIC ANEMIA, cblE TYPE; VITAMIN B12-RESPONSIVE HOMOCYSTINURIA, cblE TYPE; HOMOCYSTINURIA-MEGALOBLASTIC ANEMIA, cblE COMPLEMENTATION TYPE. Identifiers: Orphanet 2169, Orphanet 622, MedGen C1856057, MONDO:0009354, OMIM 236270.

Submission:

Labcorp Genetics (formerly Invitae), Labcorp
Classification: Uncertain significance for Methylcobalamin deficiency type cblE. Last evaluated: 2022-01-11. Review status: criteria provided, single submitter. Criteria: Invitae Variant Classification Sherloc (09022015). Collection method: clinical testing. Allele origin: germline.
Comment: This sequence change replaces alanine, which is neutral and non-polar, with glutamic acid, which is acidic and polar, at codon 637 of the MTRR protein (p.Ala637Glu). Information on the frequency of this variant in the gnomAD database is not available, as this variant may be reported differently in the database. This variant has not been reported in the literature in individuals affected with MTRR-related conditions. Algorithms developed to predict the effect of missense changes on protein structure and function are either unavailable or do not agree on the potential impact of this missense change (SIFT: "Not Available"; PolyPhen-2: "Possibly Damaging"; Align-GVGD: "Not Available"). In summary, the available evidence is currently insufficient to determine the role of this variant in disease. Therefore, it has been classified as a Variant of Uncertain Significance.